The following is an entry in ClinVar:

NM_000090.4(COL3A1):c.1484G>C (p.Gly495Ala)

Gene: COL3A1 (collagen type III alpha 1 chain; plus strand). Cytogenetic location: 2q32.2.
Variant type: single nucleotide variant.
Coding change: c.1484G>C on transcript NM_000090.4 (MANE Select); coding-DNA position 1484, G replaced by C.
Protein change: p.Gly495Ala; replaces glycine 495 with alanine.
Molecular consequence: missense variant.
Genome position (GRCh38, 1-based): chr2:188,995,074, G>C. VCF-style: chr2-188995074-G-C. GRCh37 (hg19) VCF-style: chr2-189859800-G-C.
Other names: short protein forms G495A.
Identifiers: ClinVar variation 392836 (VCV000392836.2), dbSNP rs1057524653, ClinGen allele CA16603965.

ClinVar aggregate classification (germline): Likely pathogenic (1 of 4 stars; one submission).

Submission:

GeneDx
Classification: Likely pathogenic. Last evaluated: 2018-07-18. Review status: criteria provided, single submitter. Criteria: GeneDx Variant Classification (06012015). Collection method: clinical testing. Allele origin: germline. Affected: yes.
Comment: The G495A variant in the COL3A1 gene has not been reported previously as a pathogenic variant, nor as a benign variant, to our knowledge. The G495A variant is not observed in large population cohorts (Lek et al., 2016). The G495A variant is a conservative amino acid substitution, which is not likely to impact secondary protein structure as these residues share similar properties. However, this variant results in substitution of a Glycine residue in the Gly-X-Y repetitive motif of the triple helical region of the COL3A1 gene. In this domain, the Glycine in the triplet repeat is critical for protein folding, and substitution of a triplet Glycine is a known pathogenic mechanism (Stenson et al., 2014). In-silico analyses, including protein predictors and evolutionary conservation, support a deleterious effect. Missense variants in nearby residues (G492R, G492E, G492V, G498D) have been reported in the Human Gene Mutation Database in association with Ehlers-Danlos syndrome IV (Stenson et al., 2014), supporting the functional importance of this region of the protein. We interpret G495A as a likely pathogenic variant that may explain the pes planus reported in this individual.